The following is an entry in ClinVar:

NM_014946.4(SPAST):c.1550T>G (p.Leu517Trp)

Gene: SPAST (spastin; plus strand). Cytogenetic location: 2p22.3.
Variant type: single nucleotide variant.
Coding change: c.1550T>G on transcript NM_014946.4 (MANE Select); coding-DNA position 1550, T replaced by G.
Protein change: p.Leu517Trp; replaces leucine 517 with tryptophan.
Molecular consequence: missense variant.
Genome position (GRCh38, 1-based): chr2:32,143,349, T>G. VCF-style: chr2-32143349-T-G. GRCh37 (hg19) VCF-style: chr2-32368418-T-G.
Other names: c.1547T>G, p.Leu516Trp (NM_001363823.2); c.1451T>G, p.Leu484Trp (NM_001363875.2); c.1454T>G, p.Leu485Trp (NM_001377959.1, NM_199436.2); short protein forms L484W, L485W, L516W, L517W.
Identifiers: ClinVar variation 1805896 (VCV001805896.2), dbSNP rs2148759388, ClinGen allele CA346503640.

ClinVar aggregate classification (germline): Pathogenic (1 of 4 stars; one submission).

Conditions:
Hereditary spastic paraplegia 4. Also called: Familial spastic paraplegia autosomal dominant 2; Spastic paraplegia 4, autosomal dominant; Spastic Paraplegia 4. Identifiers: Orphanet 100985, MedGen C1866855, MONDO:0008438, OMIM 182601.

Submission:

Victorian Clinical Genetics Services, Murdoch Childrens Research Institute
Classification: Pathogenic for Hereditary spastic paraplegia 4. Last evaluated: 2023-07-16. Review status: criteria provided, single submitter. Criteria: ACMG Guidelines, 2015. Collection method: clinical testing. Allele origin: germline. Inheritance: Autosomal dominant inheritance. Affected: yes.
Comment: Based on the classification scheme VCGS_Germline_v1.3.4, this variant is classified as Pathogenic. Following criteria are met: 0103 - Dominant negative and loss of function are known mechanisms of disease for this gene and are associated with spastic paraplegia 4 (MIM#182601). Multiple loss of function variants have been reported, while a dominant negative mechanism has been stipulated for a small number of missense variants (ClinVar; PMID: 30006150).(I) 0107 - This gene is associated with autosomal dominant disease. (I) 0112 - The condition associated with this gene has incomplete penetrance, but this is age-dependent and only a small proportion of individuals remain asymptomatic (PMID: 30476002). (I) 0200 - Variant is predicted to result in a missense amino acid change from leucine to tryptophan. (I) 0251 - This variant is heterozygous. (I) 0301 - Variant is absent from gnomAD (both v2 and v3). (SP) 0501 - Missense variant consistently predicted to be damaging by multiple in silico tools or highly conserved with a major amino acid change. (SP) 0604 - Variant is not located in an established domain, motif, hotspot or informative constraint region. (I) 0704 - Another missense variant comparable to the one identified in this case has limited previous evidence for pathogenicity. The variant c.1550T>C p.(Leu517Ser) has been previously reported as pathogenic (ClinVar). (SP) 0803 - This variant has limited previous evidence of pathogenicity in an unrelated individual. It has been reported in an individual with hereditary spastic paraplegia (PMID: 27077743). (SP) 0905 - No published segregation evidence has been identified for this variant. (I) 1007 - No published functional evidence has been identified for this variant. (SP) Legend: (SP) - Supporting pathogenic, (I) - Information, (SB) - Supporting benign

Literature cited by the submitters: PubMed 27077743; PubMed 30006150; PubMed 30476002.